The following is an entry in ClinVar:

NM_000548.5(TSC2):c.3460A>G (p.Thr1154Ala)

Gene: TSC2 (TSC complex subunit 2; plus strand). Cytogenetic location: 16p13.3.
Variant type: single nucleotide variant.
Coding change: c.3460A>G on transcript NM_000548.5 (MANE Select); coding-DNA position 3460, A replaced by G.
Protein change: p.Thr1154Ala; replaces threonine 1154 with alanine.
Molecular consequence: missense variant.
Genome position (GRCh38, 1-based): chr16:2,080,227, A>G. VCF-style: chr16-2080227-A-G. GRCh37 (hg19) VCF-style: chr16-2130228-A-G.
Other names: c.3328A>G, p.Thr1110Ala (NM_001077183.3, NM_001370404.1); c.3460A>G, p.Thr1154Ala (NM_001114382.3); c.3220A>G, p.Thr1074Ala (NM_001318827.2); c.3184A>G, p.Thr1062Ala (NM_001318829.2); c.2728A>G, p.Thr910Ala (NM_001318831.2); c.3361A>G, p.Thr1121Ala (NM_001318832.2); c.3331A>G, p.Thr1111Ala (NM_001363528.2, NM_001370405.1, NM_021055.3); short protein forms T1062A, T1074A, T1110A, T1111A, T1121A, T1154A, T910A.
Identifiers: ClinVar variation 1052160 (VCV001052160.12), dbSNP rs1266509754, ClinGen allele CA394288834.
Genomic context (GRCh38, chr16:2,080,227, plus strand): 5'-GGCCATGGTCTTCGAGTTGGCGCCCTGGACGTGCCGGCCTCCCAGTTCCTGGGCAGTGCC[A>G]CTTCTCCAGGACCACGGACTGCACCAGCCGCGAAACCTGAGAAGGCCTCAGCTGGCACCC-3'
Protein context (NP_000539.2, residues 1144-1164): VPASQFLGSA[Thr1154Ala]SPGPRTAPAA

ClinVar aggregate classification (germline): Conflicting classifications of pathogenicity. Review status: criteria provided, conflicting classifications (1 of 4 stars). 3 submissions from 3 submitters: Uncertain significance (1); Benign (1); Likely benign (1). Last evaluated 2024-07-02.

Conditions:
Tuberous sclerosis 2 (TSC2). Identifiers: Orphanet 805, MedGen C1860707, MONDO:0013199, OMIM 613254.
Hereditary cancer-predisposing syndrome. Also called: Hereditary Cancer Syndrome; Tumor predisposition; Hereditary neoplastic syndrome; Neoplastic Syndromes, Hereditary. Identifiers: Orphanet 140162, MedGen C0027672, MeSH D009386, MONDO:0015356.
Tuberous sclerosis syndrome (TSC). Also called: Tuberous Sclerosis Complex; Tuberous sclerosis. Identifiers: Orphanet 805, MedGen C0041341, MONDO:0001734.

Allele frequency attached by ClinVar (database versions not stated): gnomAD exomes below 0.00001.
gnomAD v4.1: 6 of 1,612,960 alleles (0.00037%); highest among the groups gnomAD compares: Non-Finnish European, 0.00042%; no homozygotes.

Submissions (3):

Labcorp Genetics (formerly Invitae), Labcorp
Classification: Benign for Tuberous sclerosis 2. Last evaluated: 2024-07-02. Review status: criteria provided, single submitter. Criteria: Invitae Variant Classification Sherloc (09022015). Collection method: clinical testing. Allele origin: germline.

All of Us Research Program, National Institutes of Health
Classification: Uncertain significance for Tuberous sclerosis syndrome. Last evaluated: 2023-05-16. Review status: criteria provided, single submitter. Criteria: ACMG Guidelines, 2015. Collection method: clinical testing. Allele origin: germline. Inheritance: Autosomal dominant inheritance. Observed: 1 variant allele, 1 heterozygote.
Comment: This missense variant replaces threonine with alanine at codon 1154 of the TSC2 protein. Computational prediction suggests that this variant may not impact protein structure and function (internally defined REVEL score threshold <= 0.5, PMID: 27666373). To our knowledge, functional studies have not been reported for this variant. This variant has not been reported in individuals affected with TSC2-related disorders in the literature. This variant has been identified in 1/250134 chromosomes in the general population by the Genome Aggregation Database (gnomAD). The available evidence is insufficient to determine the role of this variant in disease conclusively. Therefore, this variant is classified as a Variant of Uncertain Significance.

This study involves interpretation of variants in research participants for the purpose of population health screening. Participant phenotype was not available at the time of variant classification. Additional details can be found in publication PMID: 35346344, PMCID: PMC8962531

Ambry Genetics
Classification: Likely benign for Hereditary cancer-predisposing syndrome. Last evaluated: 2020-07-10. Review status: criteria provided, single submitter. Criteria: Ambry Variant Classification Scheme 2023. Collection method: clinical testing. Allele origin: germline.